The following is an entry in ClinVar:

ClinVar aggregate classification (germline): Uncertain significance (1 of 4 stars; one submission).

Conditions:
Ullrich congenital muscular dystrophy 2 (UCMD2). Identifiers: Orphanet 75840, MedGen C4225314, MONDO:0014654, OMIM 616470.
Bethlem myopathy 2 (BTHLM2). Identifiers: Orphanet 536516, Orphanet 610, MedGen C4225313, MONDO:0034022, OMIM 616471.

Allele frequency attached by ClinVar (database versions not stated): gnomAD exomes 0.00001; ExAC 0.00002; TOPMed 0.00002; gnomAD 0.00003 and 0.00004.
gnomAD v4.1: 7 of 1,607,318 alleles (0.00044%); highest among the groups gnomAD compares: African/African-American, 0.0094%; no homozygotes.

Submission:

Labcorp Genetics (formerly Invitae), Labcorp
Classification: Uncertain significance for Bethlem myopathy 2; Ullrich congenital muscular dystrophy 2. Last evaluated: 2020-07-01. Review status: criteria provided, single submitter. Criteria: Invitae Variant Classification Sherloc (09022015). Collection method: clinical testing. Allele origin: germline.
Comment: In summary, the available evidence is currently insufficient to determine the role of this variant in disease. Therefore, it has been classified as a Variant of Uncertain Significance. Nucleotide substitutions within the consensus splice site are a relatively common cause of aberrant splicing (PMID: 17576681, 9536098). Algorithms developed to predict the effect of sequence changes on RNA splicing suggest that this variant is not likely to affect RNA splicing, but this prediction has not been confirmed by published transcriptional studies. This variant has not been reported in the literature in individuals with COL12A1-related disease. This variant is present in population databases (rs746467248, ExAC 0.03%). This sequence change falls in intron 11 of the COL12A1 gene. It does not directly change the encoded amino acid sequence of the COL12A1 protein, but it affects a nucleotide within the consensus splice site of the intron.

Literature cited by the submitters: PubMed 17576681; PubMed 9536098.

NM_004370.6(COL12A1):c.2164+6A>T

Gene: COL12A1 (collagen type XII alpha 1 chain; minus strand). Cytogenetic location: 6q13.
Variant type: single nucleotide variant.
Coding change: c.2164+6A>T on transcript NM_004370.6 (MANE Select); 6 bases into the intron after coding-DNA position 2164, A replaced by T.
Molecular consequence: intron variant.
Genome position (GRCh38, 1-based): chr6:75,180,933, T>A on the plus strand (A>T on the coding strand, the complement: COL12A1 is on the minus strand). VCF-style: chr6-75180933-T-A. GRCh37 (hg19) VCF-style: chr6-75890649-T-A.
Other names: c.73+21787A>T (NM_080645.3).
Identifiers: ClinVar variation 1061433 (VCV001061433.9), dbSNP rs746467248, ClinGen allele CA3894056.